The following is an entry in ClinVar:

NM_000448.3(RAG1):c.2426A>G (p.Lys809Arg)

Gene: RAG1 (recombination activating 1; plus strand). Cytogenetic location: 11p12.
Variant type: single nucleotide variant.
Coding change: c.2426A>G on transcript NM_000448.3 (MANE Select); coding-DNA position 2426, A replaced by G.
Protein change: p.Lys809Arg; replaces lysine 809 with arginine.
Molecular consequence: missense variant.
Genome position (GRCh38, 1-based): chr11:36,575,730, A>G. VCF-style: chr11-36575730-A-G. GRCh37 (hg19) VCF-style: chr11-36597280-A-G.
Other names: c.2426A>G, p.Lys809Arg (NM_001377277.1, NM_001377278.1, NM_001377279.1 and 1 more transcripts); short protein forms K809R.
Identifiers: ClinVar variation 304503 (VCV000304503.14), dbSNP rs773703055, ClinGen allele CA5950257.

ClinVar aggregate classification (germline): Uncertain significance. Review status: criteria provided, multiple submitters, no conflicts (2 of 4 stars). 4 submissions from 3 submitters: Uncertain significance (4). Last evaluated 2024-12-09.

Conditions:
Histiocytic medullary reticulosis. Also called: SEVERE COMBINED IMMUNODEFICIENCY WITH HYPEREOSINOPHILIA; Omenn syndrome. Identifiers: Orphanet 39041, MedGen C2700553, MONDO:0011338, OMIM 603554.
Inborn genetic diseases. Identifiers: MedGen C0950123, MeSH D030342.
Severe combined immunodeficiency, autosomal recessive, T cell-negative, B cell-negative, NK cell-positive. Also called: SCID, T CELL-NEGATIVE, B CELL-NEGATIVE, NK CELL-POSITIVE; SCID, AR, T-cell negative, B-cell negative, NK cell-positive; Severe combined immunodeficiency due to complete RAG1/2 deficiency. Identifiers: Orphanet 331206, MedGen C1832322, MONDO:0011086, OMIM 601457.
Combined immunodeficiency with skin granulomas. Identifiers: Orphanet 157949, MedGen C2673536, MONDO:0009306, OMIM 233650.

Allele frequency attached by ClinVar (database versions not stated): ExAC 0.00002; gnomAD exomes 0.00002 and 0.00003; gnomAD 0.00005 and 0.00006; TOPMed 0.00005.
gnomAD v4.1: 52 of 1,614,100 alleles (0.0032%); highest among the groups gnomAD compares: African/African-American, 0.016%; no homozygotes.

Submissions (4):

Labcorp Genetics (formerly Invitae), Labcorp
Classification: Uncertain significance for Combined immunodeficiency with skin granulomas; Severe combined immunodeficiency, autosomal recessive, T cell-negative, B cell-negative, NK cell-positive. Last evaluated: 2024-12-09. Review status: criteria provided, single submitter. Criteria: Invitae Variant Classification Sherloc (09022015). Collection method: clinical testing. Allele origin: germline.
Comment: This sequence change replaces lysine, which is basic and polar, with arginine, which is basic and polar, at codon 809 of the RAG1 protein (p.Lys809Arg). This variant is present in population databases (rs773703055, gnomAD 0.01%). This variant has not been reported in the literature in individuals affected with RAG1-related conditions. ClinVar contains an entry for this variant (Variation ID: 304503). Invitae Evidence Modeling of protein sequence and biophysical properties (such as structural, functional, and spatial information, amino acid conservation, physicochemical variation, residue mobility, and thermodynamic stability) indicates that this missense variant is not expected to disrupt RAG1 protein function with a negative predictive value of 80%. In summary, the available evidence is currently insufficient to determine the role of this variant in disease. Therefore, it has been classified as a Variant of Uncertain Significance.

Ambry Genetics
Classification: Uncertain significance for Inborn genetic diseases. Last evaluated: 2024-01-19. Review status: criteria provided, single submitter. Criteria: Ambry Variant Classification Scheme 2023. Collection method: clinical testing. Allele origin: germline.

Illumina Laboratory Services, Illumina
Classification: Uncertain significance for Severe combined immunodeficiency, autosomal recessive, T cell-negative, B cell-negative, NK cell-positive. Last evaluated: 2018-01-12. Review status: criteria provided, single submitter. Criteria: ICSL Variant Classification Criteria 13 December 2019. Collection method: clinical testing. Allele origin: germline.

Illumina Laboratory Services, Illumina
Classification: Uncertain significance for Histiocytic medullary reticulosis. Last evaluated: 2018-01-12. Review status: criteria provided, single submitter. Criteria: ICSL Variant Classification Criteria 13 December 2019. Collection method: clinical testing. Allele origin: germline.